The following is an entry in ClinVar:

ClinVar aggregate classification (germline): Likely benign. Review status: reviewed by expert panel (3 of 4 stars). 3 submissions from 3 submitters: Likely benign (1). 2 of the submissions do not count toward it. Last evaluated 2017-06-29.

Conditions:
Breast-ovarian cancer, familial, susceptibility to, 2 (BROVCA2). Also called: BRCA2 Hereditary Breast and Ovarian Cancer. Identifiers: Orphanet 145, MedGen C2675520, MONDO:0012933, OMIM 612555. Disease mechanism: loss of function.
Hereditary cancer-predisposing syndrome. Also called: Hereditary Cancer Syndrome; Neoplastic Syndromes, Hereditary; Tumor predisposition; Hereditary neoplastic syndrome. Identifiers: Orphanet 140162, MedGen C0027672, MeSH D009386, MONDO:0015356.

Submissions (3):

Evidence-based Network for the Interpretation of Germline Mutant Alleles (ENIGMA)
Classification: Likely benign for Breast-ovarian cancer, familial, susceptibility to, 2. Last evaluated: 2017-06-29. Review status: reviewed by expert panel. Criteria: ENIGMA BRCA1/2 Classification Criteria (2017-06-29). Collection method: curation. Allele origin: germline.
Comment: Synonymous substitution variant, with low bioinformatic likelihood to result in a splicing aberration (Splicing prior probability 0.02).

Color Diagnostics, LLC DBA Color Health
Classification: Likely benign for Hereditary cancer-predisposing syndrome. Last evaluated: 2025-07-14. Review status: criteria provided, single submitter. Criteria: ACMG Guidelines, 2015. Collection method: clinical testing. Allele origin: germline. Not counted in ClinVar's aggregate classification.

Ambry Genetics
Classification: Likely benign for Hereditary cancer-predisposing syndrome. Last evaluated: 2014-11-26. Review status: criteria provided, single submitter. Criteria: Ambry Variant Classification Scheme 2023. Collection method: clinical testing. Allele origin: germline. Not counted in ClinVar's aggregate classification.

NM_000059.4(BRCA2):c.4152G>A (p.Leu1384=)

Gene: BRCA2 (BRCA2 DNA repair associated; plus strand). Cytogenetic location: 13q13.1.
Variant type: single nucleotide variant.
Coding change: c.4152G>A on transcript NM_000059.4 (MANE Select); coding-DNA position 4152, G replaced by A.
Protein change: p.Leu1384=; no amino-acid change (leucine 1384 retained).
Molecular consequence: synonymous variant.
Genome position (GRCh38, 1-based): chr13:32,338,507, G>A. VCF-style: chr13-32338507-G-A. GRCh37 (hg19) VCF-style: chr13-32912644-G-A.
Identifiers: ClinVar variation 187258 (VCV000187258.8), dbSNP rs786203593, ClinGen allele CA019628.